The following is an entry in ClinVar:

ClinVar aggregate classification (germline): Uncertain significance (1 of 4 stars; one submission).

Allele frequency attached by ClinVar (database versions not stated): ExAC 0.00001; TOPMed 0.00008; gnomAD 0.00009.
gnomAD v4.1: 72 of 1,610,694 alleles (0.0045%); highest among the groups gnomAD compares: African/African-American, 0.017%; no homozygotes.

Submission:

Labcorp Genetics (formerly Invitae), Labcorp
Classification: Uncertain significance. Last evaluated: 2025-12-09. Review status: criteria provided, single submitter. Criteria: Invitae Variant Classification Sherloc (09022015). Collection method: clinical testing. Allele origin: germline.
Comment: This sequence change replaces arginine, which is basic and polar, with histidine, which is basic and polar, at codon 50 of the TCIRG1 protein (p.Arg50His). The frequency data for this variant in the population databases is considered unreliable, as metrics indicate poor data quality at this position in the gnomAD database. This variant has not been reported in the literature in individuals affected with TCIRG1-related conditions. ClinVar contains an entry for this variant (Variation ID: 2144672). Invitae Evidence Modeling of protein sequence and biophysical properties (such as structural, functional, and spatial information, amino acid conservation, physicochemical variation, residue mobility, and thermodynamic stability) has been performed for this missense variant. However, the output from this modeling did not meet the statistical confidence thresholds required to predict the impact of this variant on TCIRG1 protein function. In summary, the available evidence is currently insufficient to determine the role of this variant in disease. Therefore, it has been classified as a Variant of Uncertain Significance.

NM_006019.4(TCIRG1):c.149G>A (p.Arg50His)

Gene: TCIRG1 (T cell immune regulator 1, ATPase H+ transporting V0 subunit a3; plus strand). Cytogenetic location: 11q13.2.
Variant type: single nucleotide variant.
Coding change: c.149G>A on transcript NM_006019.4 (MANE Select); coding-DNA position 149, G replaced by A.
Protein change: p.Arg50His; replaces arginine 50 with histidine.
Molecular consequence: missense variant. On other transcripts: 5 prime UTR variant (1).
Genome position (GRCh38, 1-based): chr11:68,041,784, G>A. VCF-style: chr11-68041784-G-A. GRCh37 (hg19) VCF-style: chr11-67809251-G-A.
Other names: c.-1101G>A (NM_001351059.2); short protein forms R50H.
Identifiers: ClinVar variation 2144672 (VCV002144672.3), dbSNP rs781157122, ClinGen allele CA6146670.
Genomic context (GRCh38, chr11:68,041,784, plus strand): 5'-ACACTCACCCCTCCGTGTGGCACCCACAGCTCAACGCCTCGGTGAGCGCCTTCCAGAGAC[G>A]CTTTGTGGTTGATGTTCGGCGCTGTGAGGAGCTGGAGAAGACCTTCAGTGAGTTGGTCCC-3'
Protein context (NP_006010.2, residues 40-60): LNASVSAFQR[Arg50His]FVVDVRRCEE